The following is an entry in ClinVar:

NM_022098.4(XPNPEP3):c.*4530C>T

Gene: XPNPEP3 (X-prolyl aminopeptidase 3; plus strand). Cytogenetic location: 22q13.2.
Variant type: single nucleotide variant.
Coding change: c.*4530C>T on transcript NM_022098.4 (MANE Select); 4530 bases downstream of the stop codon, C replaced by T.
Molecular consequence: 3 prime UTR variant.
Genome position (GRCh38, 1-based): chr22:40,930,965, C>T. VCF-style: chr22-40930965-C-T. GRCh37 (hg19) VCF-style: chr22-41326969-C-T.
Identifiers: ClinVar variation 902761 (VCV000902761.4), dbSNP rs190920816, ClinGen allele CA324455242.
Genomic context (GRCh38, chr22:40,930,965, plus strand): 5'-GTGGCGCCATCTTGGCTCACTGCAACCTCCAACTCCCTGGTTCAAGCAGTTCTCCTGCCT[C>T]AGCCTCCCAAGTAGCTGGGATTACAGGCACGCACCACCATGCCCAGCTAATTTTTGTATT-3'

ClinVar aggregate classification (germline): Likely benign (1 of 4 stars; one submission).

Conditions:
Nephronophthisis-like nephropathy 1 (NPHPL1). Identifiers: Orphanet 655, MedGen C3150419, MONDO:0013163, OMIM 613159.

Allele frequency attached by ClinVar (database versions not stated): gnomAD 0.00233 and 0.00250; TOPMed 0.00266; 1000 Genomes Project 0.00300; 1000 Genomes Project 30x 0.00453.

Submission:

Illumina Laboratory Services, Illumina
Classification: Likely benign for Nephronophthisis-like nephropathy 1. Last evaluated: 2018-01-12. Review status: criteria provided, single submitter. Criteria: ICSL Variant Classification Criteria 13 December 2019. Collection method: clinical testing. Allele origin: germline.
Comment: This variant was observed in the ICSL laboratory as part of a predisposition screen in an ostensibly healthy population. It had not been previously curated by ICSL or reported in the Human Gene Mutation Database (HGMD: prior to June 1st, 2018), and was therefore a candidate for classification through an automated scoring system. Utilizing variant allele frequency, disease prevalence and penetrance estimates, and inheritance mode, an automated score was calculated to assess if this variant is too frequent to cause the disease. Based on the score and internal cut-off values, a variant classified as likely benign is not then subjected to further curation. The score for this variant resulted in a classification of likely benign for this disease.